The following is an entry in ClinVar:

ClinVar aggregate classification (germline): Likely benign. Review status: criteria provided, multiple submitters, no conflicts (2 of 4 stars). 2 submissions from 2 submitters: Likely benign (2). Last evaluated 2022-11-02.

Conditions:
Pitt-Hopkins-like syndrome 2 (PTHSL2). Identifiers: Orphanet 221150, Orphanet 600663, MedGen C3280479, MONDO:0013690, OMIM 614325.

gnomAD v4.1: 2 of 1,603,710 alleles (0.00012%); highest among the groups gnomAD compares: Non-Finnish European, 0.00017%; no homozygotes.

Submissions (2):

Labcorp Genetics (formerly Invitae), Labcorp
Classification: Likely benign for Pitt-Hopkins-like syndrome 2. Last evaluated: 2022-11-02. Review status: criteria provided, single submitter. Criteria: Invitae Variant Classification Sherloc (09022015). Collection method: clinical testing. Allele origin: germline.

GeneDx
Classification: Likely benign. Last evaluated: 2016-09-01. Review status: criteria provided, single submitter. Criteria: GeneDx Variant Classification (06012015). Collection method: clinical testing. Allele origin: germline. Affected: yes.
Comment: This variant is considered likely benign or benign based on one or more of the following criteria: it is a conservative change, it occurs at a poorly conserved position in the protein, it is predicted to be benign by multiple in silico algorithms, and/or has population frequency not consistent with disease.

NM_001330078.2(NRXN1):c.3228C>A (p.Ile1076=)

Gene: NRXN1 (neurexin 1; minus strand). Cytogenetic location: 2p16.3.
Variant type: single nucleotide variant.
Coding change: c.3228C>A on transcript NM_001330078.2 (MANE Select); coding-DNA position 3228, C replaced by A.
Protein change: p.Ile1076=; no amino-acid change (isoleucine 1076 retained).
Molecular consequence: synonymous variant.
Genome position (GRCh38, 1-based): chr2:50,472,314, G>T on the plus strand (C>A on the coding strand, the complement: NRXN1 is on the minus strand). VCF-style: chr2-50472314-G-T. GRCh37 (hg19) VCF-style: chr2-50699452-G-T.
Other names: c.3348C>A, p.Ile1116= (NM_001135659.3); c.3204C>A, p.Ile1068= (NM_001330077.2, NM_001330082.2); c.3162C>A, p.Ile1054= (NM_001330083.2, NM_001330084.2); c.3201C>A, p.Ile1067= (NM_001330085.2); c.3228C>A, p.Ile1076= (NM_001330086.2, NM_004801.6); c.3117C>A, p.Ile1039= (NM_001330087.2, NM_001330096.2); c.3147C>A, p.Ile1049= (NM_001330088.2); c.3225C>A, p.Ile1075= (NM_001330093.2); and 2 more.
Identifiers: ClinVar variation 378295 (VCV000378295.4), dbSNP rs201241923, ClinGen allele CA16604329.
Genomic context (GRCh38, chr2:50,472,314, plus strand): 5'-GTGGAATTAGAATTATTTAGAGCATGATGACAAAAATCTAATACCTTCACATCCTCTCTC[G>T]ATCTGTCCGTTGCAGAAAAGAGCATCGGAGATGAGGTCCGGAAGCCGTCCATTTAAATCA-3'
Protein context (NP_001317007.1, residues 1066-1086): ISDALFCNGQ[Ile1076=]ERGCEGPSTT